The following is an entry in ClinVar:

NM_145290.4(ADGRA3):c.2977C>A (p.His993Asn)

Gene: ADGRA3 (adhesion G protein-coupled receptor A3; minus strand). Cytogenetic location: 4p15.2.
Variant type: single nucleotide variant.
Coding change: c.2977C>A on transcript NM_145290.4 (MANE Select); coding-DNA position 2977, C replaced by A.
Protein change: p.His993Asn; replaces histidine 993 with asparagine.
Molecular consequence: missense variant.
Genome position (GRCh38, 1-based): chr4:22,388,694, G>T on the plus strand (C>A on the coding strand, the complement: ADGRA3 is on the minus strand). VCF-style: chr4-22388694-G-T. GRCh37 (hg19) VCF-style: chr4-22390317-G-T.
Other names: short protein forms H993N.
Identifiers: ClinVar variation 2996094 (VCV002996094.3), dbSNP rs2474687625, ClinGen allele CA356474384.
Genomic context (GRCh38, chr4:22,388,694, plus strand): 5'-CAAACATCCACAGTGCAACATATAAGAGCAAAGTAAGGCTGGCCCCCAAGAGCTGAGAAT[G>T]AAAAGTGTGCTCATTTTCCAAGGCTGATGTAGAAATCAGAGACAAAGACATTGAATCCTG-3'
Protein context (NP_660333.2, residues 983-1003): TSALENEHTF[His993Asn]SQLLGASLTL

ClinVar aggregate classification (germline): Uncertain significance (1 of 4 stars; one submission).

Submission:

Labcorp Genetics (formerly Invitae), Labcorp
Classification: Uncertain significance. Last evaluated: 2023-12-09. Review status: criteria provided, single submitter. Criteria: Invitae Variant Classification Sherloc (09022015). Collection method: clinical testing. Allele origin: germline.
Comment: This sequence change replaces histidine, which is basic and polar, with asparagine, which is neutral and polar, at codon 993 of the ADGRA3 protein (p.His993Asn). This variant is not present in population databases (gnomAD no frequency). This variant has not been reported in the literature in individuals affected with ADGRA3-related conditions. An algorithm developed to predict the effect of missense changes on protein structure and function (PolyPhen-2) suggests that this variant is likely to be tolerated. In summary, the available evidence is currently insufficient to determine the role of this variant in disease. Therefore, it has been classified as a Variant of Uncertain Significance.